The following is an entry in ClinVar:

ClinVar aggregate classification (germline): Benign (1 of 4 stars; one submission).

Conditions:
MELAS syndrome (MELAS). Also called: Juvenile myopathy, encephalopathy, lactic acidosis, stroke. Identifiers: Orphanet 550, MedGen C0162671, MONDO:0010789, OMIM 540000.

Submission:

Wong Mito Lab, Molecular and Human Genetics, Baylor College of Medicine
Classification: Benign for MELAS syndrome. Last evaluated: 2019-07-12. Review status: criteria provided, single submitter. Criteria: Modified ACMG Guidelines (Unpublished). Collection method: clinical testing. Allele origin: germline.
Comment: The NC_012920.1:m.4464G>A variant in MT-TM gene is interpreted to be a Benign variant based on the modified ACMG guidelines (unpublished). This variant meets the following evidence codes reported in the guidelines: BS1, BS2, BP4

Literature cited by the submitters: PubMed 31965079.

NC_012920.1(MT-TM):m.4464G>A

Gene: MT-TM (mitochondrially encoded tRNA methionine; plus strand).
Variant type: single nucleotide variant.
Genome position: chrM-4464-G-A.
Identifiers: ClinVar variation 689920 (VCV000689920.1), dbSNP rs1603219466, ClinGen allele CA913178263.